The following is an entry in ClinVar:

NM_001105247.2(ARMC5):c.910A>G (p.Ile304Val)

Gene: ARMC5 (armadillo repeat containing 5; plus strand). Cytogenetic location: 16p11.2.
Variant type: single nucleotide variant.
Coding change: c.910A>G on transcript NM_001105247.2 (MANE Select); coding-DNA position 910, A replaced by G.
Protein change: p.Ile304Val; replaces isoleucine 304 with valine.
Molecular consequence: missense variant.
Genome position (GRCh38, 1-based): chr16:31,462,457, A>G. VCF-style: chr16-31462457-A-G. GRCh37 (hg19) VCF-style: chr16-31473778-A-G.
Other names: c.1195A>G, p.Ile399Val (NM_001288767.2); c.1006A>G, p.Ile336Val (NM_001301820.1); c.910A>G, p.Ile304Val (NM_024742.2); short protein forms I304V, I336V, I399V.
Identifiers: ClinVar variation 3047523 (VCV003047523.6), dbSNP rs558131508, ClinGen allele CA8029576.
Genomic context (GRCh38, chr16:31,462,457, plus strand): 5'-GGCCCACTCGTCAGCCTGGCTTCCCACCCCAAGCGGGCAGTACGCGAGGGAACCATTCTG[A>G]TCCTCGCCAACCTGTGTGCCCAGGGCCTGATTCGGCCTGCACTGGGCAATGCTGGTGGCG-3'
Protein context (NP_001098717.1, residues 294-314): KRAVREGTIL[Ile304Val]LANLCAQGLI

ClinVar aggregate classification (germline): Likely benign. Review status: criteria provided, single submitter (1 of 4 stars). 2 submissions from 2 submitters: Likely benign (1). 1 of the submissions does not count toward it. Last evaluated 2026-03-01.

Conditions:
ARMC5-related disorder. Also called: ARMC5-related condition.

Allele frequency attached by ClinVar (database versions not stated): TOPMed 0.00002; gnomAD 0.00013; gnomAD exomes 0.00016; ExAC 0.00034; 1000 Genomes Project 30x 0.00094; 1000 Genomes Project 0.00100.
gnomAD v4.1: 257 of 1,612,540 alleles (0.016%); highest among the groups gnomAD compares: South Asian, 0.26%; 2 homozygotes.

Submissions (2):

CeGaT Center for Human Genetics Tuebingen
Classification: Likely benign. Last evaluated: 2026-03-01. Review status: criteria provided, single submitter. Criteria: CeGaT Center For Human Genetics Tuebingen Variant Classification Criteria Version 2. Collection method: clinical testing. Allele origin: germline. Affected: yes. Observed: 1 variant allele.
Comment: ARMC5: BP4

PreventionGenetics, part of Exact Sciences
Classification: Likely benign for ARMC5-related condition. Last evaluated: 2021-01-20. Review status: no assertion criteria provided. Collection method: clinical testing. Allele origin: germline. Not counted in ClinVar's aggregate classification.
Comment: This variant is classified as likely benign based on ACMG/AMP sequence variant interpretation guidelines (Richards et al. 2015 PMID: 25741868, with internal and published modifications).